The following is an entry in ClinVar:

NM_001242896.3(DEPDC5):c.2491A>G (p.Ser831Gly)

Gene: DEPDC5 (DEP domain containing 5, GATOR1 subcomplex subunit; plus strand). Cytogenetic location: 22q12.3.
Variant type: single nucleotide variant.
Coding change: c.2491A>G on transcript NM_001242896.3 (MANE Select); coding-DNA position 2491, A replaced by G.
Protein change: p.Ser831Gly; replaces serine 831 with glycine.
Molecular consequence: missense variant. On other transcripts: non-coding transcript variant (5).
Genome position (GRCh38, 1-based): chr22:31,838,821, A>G. VCF-style: chr22-31838821-A-G. GRCh37 (hg19) VCF-style: chr22-32234807-A-G.
Other names: c.2464A>G, p.Ser822Gly (NM_001136029.4, NM_001369903.1, NM_014662.6); c.2257A>G, p.Ser753Gly (NM_001242897.2, NM_001363854.2, NM_001364319.2); c.2491A>G, p.Ser831Gly (NM_001363852.2, NM_001364318.2, NM_001364320.2); c.2407A>G, p.Ser803Gly (NM_001369901.1, NM_001369902.1); short protein forms S753G, S803G, S822G, S831G.
Identifiers: ClinVar variation 5017356 (VCV005017356.1).

ClinVar aggregate classification (germline): Uncertain significance (1 of 4 stars; one submission).

Submission:

GeneDx
Classification: Uncertain significance. Last evaluated: 2026-03-26. Review status: criteria provided, single submitter. Criteria: GeneDx Variant Classification Process June 2021. Collection method: clinical testing. Allele origin: germline.
Comment: Not observed at significant frequency in large population cohorts (gnomAD); In silico analysis suggests that this missense variant does not alter protein structure/function; Has not been previously published as pathogenic or benign to our knowledge